The following is an entry in ClinVar:

ClinVar aggregate classification (germline): Uncertain significance. Review status: criteria provided, multiple submitters, no conflicts (2 of 4 stars). 3 submissions from 3 submitters: Uncertain significance (3). Last evaluated 2025-03-05.

Conditions:
Inborn genetic diseases. Identifiers: MedGen C0950123, MeSH D030342.

Allele frequency attached by ClinVar (database versions not stated): gnomAD 0.00001.
gnomAD v4.1: 3 of 1,613,868 alleles (0.00019%); highest among the groups gnomAD compares: Non-Finnish European, 0.00025%; no homozygotes.

Submissions (3):

Ambry Genetics
Classification: Uncertain significance for Inborn genetic diseases. Last evaluated: 2025-03-05. Review status: criteria provided, single submitter. Criteria: Ambry Variant Classification Scheme 2023. Collection method: clinical testing. Allele origin: germline.

Labcorp Genetics (formerly Invitae), Labcorp
Classification: Uncertain significance. Last evaluated: 2024-08-28. Review status: criteria provided, single submitter. Criteria: Invitae Variant Classification Sherloc (09022015). Collection method: clinical testing. Allele origin: germline.
Comment: This sequence change replaces alanine, which is neutral and non-polar, with proline, which is neutral and non-polar, at codon 243 of the CLCN2 protein (p.Ala243Pro). This variant is present in population databases (no rsID available, gnomAD 0.007%). This variant has not been reported in the literature in individuals affected with CLCN2-related conditions. ClinVar contains an entry for this variant (Variation ID: 1477947). Invitae Evidence Modeling of protein sequence and biophysical properties (such as structural, functional, and spatial information, amino acid conservation, physicochemical variation, residue mobility, and thermodynamic stability) indicates that this missense variant is expected to disrupt CLCN2 protein function with a positive predictive value of 80%. In summary, the available evidence is currently insufficient to determine the role of this variant in disease. Therefore, it has been classified as a Variant of Uncertain Significance.

Blueprint Genetics
Classification: Uncertain significance. Last evaluated: 2021-10-30. Review status: criteria provided, single submitter. Criteria: ACMG Guidelines, 2015. Collection method: clinical testing. Allele origin: germline.

NM_004366.6(CLCN2):c.727G>C (p.Ala243Pro)

Gene: CLCN2 (chloride voltage-gated channel 2; minus strand). Cytogenetic location: 3q27.1.
Variant type: single nucleotide variant.
Coding change: c.727G>C on transcript NM_004366.6 (MANE Select); coding-DNA position 727, G replaced by C.
Protein change: p.Ala243Pro; replaces alanine 243 with proline.
Molecular consequence: missense variant.
Genome position (GRCh38, 1-based): chr3:184,357,665, C>G on the plus strand (G>C on the coding strand, the complement: CLCN2 is on the minus strand). VCF-style: chr3-184357665-C-G. GRCh37 (hg19) VCF-style: chr3-184075453-C-G.
Other names: c.727G>C, p.Ala243Pro (NM_001171087.3, NM_001171089.3); c.595G>C, p.Ala199Pro (NM_001171088.3); c.727G>C (NM_004366.4); short protein forms A199P, A243P.
Identifiers: ClinVar variation 1477947 (VCV001477947.7), dbSNP rs745848056, ClinGen allele CA88898979.